The following is an entry in ClinVar:

ClinVar aggregate classification (germline): Uncertain significance. Review status: criteria provided, multiple submitters, no conflicts (2 of 4 stars). 2 submissions from 2 submitters: Uncertain significance (2). Last evaluated 2025-04-01.

Conditions:
Long QT syndrome (LQTS). Identifiers: MedGen C0023976, MeSH D008133, MONDO:0002442. Disease mechanism: loss of function. Inheritance: Various modes of inheritance.

Allele frequency attached by ClinVar (database versions not stated): TOPMed below 0.00001; gnomAD 0.00001.
gnomAD v4.1: 2 of 1,600,192 alleles (0.00012%); highest among the groups gnomAD compares: Non-Finnish European, 0.00017%; no homozygotes.

Submissions (2):

Labcorp Genetics (formerly Invitae), Labcorp
Classification: Uncertain significance for Long QT syndrome. Last evaluated: 2025-04-01. Review status: criteria provided, single submitter. Criteria: Invitae Variant Classification Sherloc (09022015). Collection method: clinical testing. Allele origin: germline.
Comment: This sequence change replaces tyrosine, which is neutral and polar, with asparagine, which is neutral and polar, at codon 1710 of the CACNA1C protein (p.Tyr1710Asn). This variant is not present in population databases (gnomAD no frequency). This variant has not been reported in the literature in individuals affected with CACNA1C-related conditions. ClinVar contains an entry for this variant (Variation ID: 1895832). Invitae Evidence Modeling of protein sequence and biophysical properties (such as structural, functional, and spatial information, amino acid conservation, physicochemical variation, residue mobility, and thermodynamic stability) indicates that this missense variant is not expected to disrupt CACNA1C protein function with a negative predictive value of 95%. In summary, the available evidence is currently insufficient to determine the role of this variant in disease. Therefore, it has been classified as a Variant of Uncertain Significance.

GeneDx
Classification: Uncertain significance. Last evaluated: 2023-01-17. Review status: criteria provided, single submitter. Criteria: GeneDx Variant Classification Process June 2021. Collection method: clinical testing. Allele origin: germline. Affected: yes.
Comment: Not observed at significant frequency in large population cohorts (gnomAD); In silico analysis supports that this missense variant has a deleterious effect on protein structure/function; Has not been previously published as pathogenic or benign to our knowledge

NM_000719.7(CACNA1C):c.5128T>A (p.Tyr1710Asn)

Genes: CACNA1C (calcium voltage-gated channel subunit alpha1 C; plus strand), CACNA1C-AS1 (CACNA1C antisense RNA 1; minus strand). Cytogenetic location: 12p13.33.
Variant type: single nucleotide variant.
Coding change: c.5128T>A on transcript NM_000719.7 (MANE Select); coding-DNA position 5128, T replaced by A.
Protein change: p.Tyr1710Asn; replaces tyrosine 1710 with asparagine.
Molecular consequence: missense variant.
Genome position (GRCh38, 1-based): chr12:2,679,480, T>A. VCF-style: chr12-2679480-T-A. GRCh37 (hg19) VCF-style: chr12-2788646-T-A.
Other names: c.5272T>A, p.Tyr1758Asn (NM_001129827.2, NM_199460.4); c.5251T>A, p.Tyr1751Asn (NM_001129829.2); c.5128T>A, p.Tyr1710Asn (NM_001129830.3, NM_001129840.2, NM_001129841.2 and 4 more transcripts); c.5212T>A, p.Tyr1738Asn (NM_001129831.2); c.5188T>A, p.Tyr1730Asn (NM_001129832.2); c.5185T>A, p.Tyr1729Asn (NM_001129833.2, NM_001129834.2, NM_001129835.2); c.5179T>A, p.Tyr1727Asn (NM_001129836.2); c.5152T>A, p.Tyr1718Asn (NM_001129837.2, NM_001129838.2); and 3 more; short protein forms Y1707N, Y1716N, Y1718N, Y1727N, Y1738N, Y1751N, Y1729N, Y1730N.
Identifiers: ClinVar variation 1895832 (VCV001895832.6), dbSNP rs1240933826, ClinGen allele CA383378558.
Genomic context (GRCh38, chr12:2,679,480, plus strand): 5'-CCCACCCCTCCTTCTTGCCTACAGAGGGCCGGTGGCCTGTTCGGCAACCACGTCAGCTAC[T>A]ACCAAAGCGACGGCCGGAGCGCCTTCCCCCAGACCTTCACCACTCAGCGCCCGCTGCACA-3'
Protein context (NP_000710.5, residues 1700-1720): GGLFGNHVSY[Tyr1710Asn]QSDGRSAFPQ